The following is an entry in ClinVar:

ClinVar aggregate classification (germline): Uncertain significance (1 of 4 stars; one submission).

Submission:

Women's Health and Genetics/Laboratory Corporation of America, LabCorp
Classification: Uncertain significance. Last evaluated: 2026-05-07. Review status: criteria provided, single submitter. Criteria: LabCorp Variant Classification Summary - May 2015. Collection method: clinical testing. Allele origin: germline.
Comment: Variant summary: TNC c.3433T>G (p.Tyr1145Asp) results in a non-conservative amino acid change in the encoded protein sequence. Algorithms developed to predict the effect of missense changes on protein structure and function are either unavailable or do not agree on the potential impact of this missense change. The variant was absent in 251296 control chromosomes. The available data on variant occurrences in the general population are insufficient to allow any conclusion about variant significance. To our knowledge, no occurrence of c.3433T>G in individuals affected with TNC-related conditions and no experimental evidence demonstrating its impact on protein function have been reported. No submitters have cited clinical-significance assessments for this variant to ClinVar. Based on the evidence outlined above, the variant was classified as uncertain significance.

NM_002160.4(TNC):c.3433T>G (p.Tyr1145Asp)

Gene: TNC (tenascin C; minus strand). Cytogenetic location: 9q33.1.
Variant type: single nucleotide variant.
Coding change: c.3433T>G on transcript NM_002160.4 (MANE Select); coding-DNA position 3433, T replaced by G.
Protein change: p.Tyr1145Asp; replaces tyrosine 1145 with aspartic acid.
Molecular consequence: missense variant. On other transcripts: intron variant (7).
Genome position (GRCh38, 1-based): chr9:115,064,701, A>C on the plus strand (T>G on the coding strand, the complement: TNC is on the minus strand). VCF-style: chr9-115064701-A-C. GRCh37 (hg19) VCF-style: chr9-117826980-A-C.
Other names: c.3433T>G, p.Tyr1145Asp (NM_001410991.1, NM_001439065.1, NM_001439066.1 and 28 more transcripts); c.3214+8902T>G (NM_001439099.1, NM_001439096.1, NM_001439100.1 and 1 more transcripts); c.3215-7276T>G (NM_001439098.1, NM_001439094.1, NM_001439090.1); short protein forms Y1145D.
Identifiers: ClinVar variation 4853486 (VCV004853486.1).